The following is an entry in ClinVar:

NM_139058.3(ARX):c.868T>A (p.Ser290Thr)

Gene: ARX (aristaless related homeobox; minus strand). Cytogenetic location: Xp21.3.
Variant type: single nucleotide variant.
Coding change: c.868T>A on transcript NM_139058.3 (MANE Select); coding-DNA position 868, T replaced by A.
Protein change: p.Ser290Thr; replaces serine 290 with threonine.
Molecular consequence: missense variant.
Genome position (GRCh38, 1-based): chrX:25,013,127, A>T on the plus strand (T>A on the coding strand, the complement: ARX is on the minus strand). VCF-style: chrX-25013127-A-T. GRCh37 (hg19) VCF-style: chrX-25031244-A-T.
Other names: short protein forms S290T.
Identifiers: ClinVar variation 2572181 (VCV002572181.1), dbSNP rs2519106489, ClinGen allele CA412612278.

ClinVar aggregate classification (germline): Uncertain significance (1 of 4 stars; one submission).

Submission:

Greenwood Genetic Center Diagnostic Laboratories, Greenwood Genetic Center
Classification: Uncertain significance. Last evaluated: 2023-04-28. Review status: criteria provided, single submitter. Criteria: ACMG Guidelines, 2015. Collection method: clinical testing. Allele origin: germline. Affected: yes.
Comment: PM2